The following is an entry in ClinVar:

NM_021267.5(CERS1):c.708T>A (p.His236Gln)

Genes: GDF1 (growth differentiation factor 1; minus strand), CERS1 (ceramide synthase 1; minus strand). Cytogenetic location: 19p13.11.
Variant type: single nucleotide variant.
Coding change: c.708T>A on transcript NM_021267.5 (MANE Select); coding-DNA position 708, T replaced by A.
Protein change: p.His236Gln; replaces histidine 236 with glutamine.
Molecular consequence: missense variant. On other transcripts: 5 prime UTR variant (1), intron variant (1).
Genome position (GRCh38, 1-based): chr19:18,880,318, A>T on the plus strand (T>A on the coding strand, the complement: CERS1 is on the minus strand). VCF-style: chr19-18880318-A-T. GRCh37 (hg19) VCF-style: chr19-18991127-A-T.
Other names: c.414T>A, p.His138Gln (NM_001290265.2, NM_001387442.1, NM_001387443.1 and 2 more transcripts); c.708T>A, p.His236Gln (NM_001387439.1, NM_001387440.1, NM_198207.3); c.663T>A, p.His221Gln (NM_001387441.1); c.-615T>A (NM_001492.6); c.-313+3769T>A (NM_001387438.1); short protein forms H236Q, H138Q, H221Q.
Identifiers: ClinVar variation 542126 (VCV000542126.8), dbSNP rs902153714, ClinGen allele CA306245230.

ClinVar aggregate classification (germline): Uncertain significance. Review status: criteria provided, multiple submitters, no conflicts (2 of 4 stars). 2 submissions from 2 submitters: Uncertain significance (2). Last evaluated 2025-10-22.

Conditions:
Progressive myoclonic epilepsy type 8. Identifiers: Orphanet 424027, MedGen C5190825, MONDO:0014545, OMIM 616230.

Allele frequency attached by ClinVar (database versions not stated): gnomAD exomes 0.00001; TOPMed 0.00008; gnomAD 0.00007.
gnomAD v4.1: 27 of 1,553,170 alleles (0.0017%); highest among the groups gnomAD compares: African/African-American, 0.029%; no homozygotes.

Submissions (2):

Labcorp Genetics (formerly Invitae), Labcorp
Classification: Uncertain significance for Progressive myoclonic epilepsy type 8. Last evaluated: 2025-10-22. Review status: criteria provided, single submitter. Criteria: Invitae Variant Classification Sherloc (09022015). Collection method: clinical testing. Allele origin: germline.
Comment: This sequence change replaces histidine, which is basic and polar, with glutamine, which is neutral and polar, at codon 236 of the CERS1 protein (p.His236Gln). This variant is present in population databases (no rsID available, gnomAD 0.03%). This variant has not been reported in the literature in individuals affected with CERS1-related conditions. ClinVar contains an entry for this variant (Variation ID: 542126). Invitae Evidence Modeling of protein sequence and biophysical properties (such as structural, functional, and spatial information, amino acid conservation, physicochemical variation, residue mobility, and thermodynamic stability) indicates that this missense variant is not expected to disrupt CERS1 protein function with a negative predictive value of 80%. In summary, the available evidence is currently insufficient to determine the role of this variant in disease. Therefore, it has been classified as a Variant of Uncertain Significance.

Ambry Genetics
Classification: Uncertain significance. Last evaluated: 2023-10-16. Review status: criteria provided, single submitter. Criteria: Ambry Variant Classification Scheme 2023. Collection method: clinical testing. Allele origin: germline.